The following is an entry in ClinVar:

ClinVar aggregate classification (germline): Conflicting classifications of pathogenicity. Review status: criteria provided, conflicting classifications (1 of 4 stars). 3 submissions from 3 submitters: Uncertain significance (2); Likely benign (1). Last evaluated 2025-10-08.

Conditions:
FG syndrome (FGS). Identifiers: MedGen C0220769, MONDO:0002010.
Familial thoracic aortic aneurysm and aortic dissection (TAAD). Also called: Thoracic aortic aneurysms and dissections. Identifiers: Orphanet 91387, MedGen C4707243, MONDO:0019625.

Allele frequency attached by ClinVar (database versions not stated): TOPMed below 0.00001; ExAC 0.00001; gnomAD 0.00001; gnomAD exomes 0.00001 and 0.00002.
gnomAD v4.1: 18 of 1,206,917 alleles (0.0015%); highest among the groups gnomAD compares: African/African-American, 0.0018%; no homozygotes.

Submissions (3):

Labcorp Genetics (formerly Invitae), Labcorp
Classification: Likely benign for FG syndrome. Last evaluated: 2025-10-08. Review status: criteria provided, single submitter. Criteria: Invitae Variant Classification Sherloc (09022015). Collection method: clinical testing. Allele origin: germline.

Women's Health and Genetics/Laboratory Corporation of America, LabCorp
Classification: Uncertain significance. Last evaluated: 2024-10-02. Review status: criteria provided, single submitter. Criteria: LabCorp Variant Classification Summary - May 2015. Collection method: clinical testing. Allele origin: germline.
Comment: Variant summary: MED12 c.6124G>A (p.Val2042Ile) results in a conservative amino acid change in the encoded protein sequence. Five of five in-silico tools predict a benign effect of the variant on protein function. The variant allele was found at a frequency of 5.6e-06 in 180137 control chromosomes. The available data on variant occurrences in the general population are insufficient to allow any conclusion about variant significance. To our knowledge, no occurrence of c.6124G>A in individuals affected with MED12-Related Disorders and no experimental evidence demonstrating its impact on protein function have been reported. ClinVar contains an entry for this variant (Variation ID: 1394996). Based on the evidence outlined above, the variant was classified as uncertain significance.

Ambry Genetics
Classification: Uncertain significance for Familial thoracic aortic aneurysm and aortic dissection. Last evaluated: 2023-04-18. Review status: criteria provided, single submitter. Criteria: Ambry Variant Classification Scheme 2023. Collection method: clinical testing. Allele origin: germline.
Comment: The p.V2042I variant (also known as c.6124G>A), located in coding exon 42 of the MED12 gene, results from a G to A substitution at nucleotide position 6124. The valine at codon 2042 is replaced by isoleucine, an amino acid with highly similar properties. Based on data from gnomAD, the A allele has an overall frequency of <0.01% (1/180137) total alleles studied, with 0 hemizygote(s) observed. The highest observed frequency was <0.01% (1/79766) of European (non-Finnish) alleles. This amino acid position is not well conserved in available vertebrate species. In addition, this alteration is predicted to be tolerated by in silico analysis. Since supporting evidence is limited at this time, the clinical significance of this alteration remains unclear.

NM_005120.3(MED12):c.6124G>A (p.Val2042Ile)

Gene: MED12 (mediator complex subunit 12; plus strand). Cytogenetic location: Xq13.1.
Variant type: single nucleotide variant.
Coding change: c.6124G>A on transcript NM_005120.3 (MANE Select); coding-DNA position 6124, G replaced by A.
Protein change: p.Val2042Ile; replaces valine 2042 with isoleucine.
Molecular consequence: missense variant.
Genome position (GRCh38, 1-based): chrX:71,140,714, G>A. VCF-style: chrX-71140714-G-A. GRCh37 (hg19) VCF-style: chrX-70360564-G-A.
Other names: c.6124G>A (NM_005120.2); short protein forms V2042I.
Identifiers: ClinVar variation 1394996 (VCV001394996.9), dbSNP rs755577187, ClinGen allele CA10444875.